The following is an entry in ClinVar:

NM_002875.5(RAD51):c.225+596_225+601del

Gene: RAD51 (RAD51 recombinase; plus strand). Cytogenetic location: 15q15.1.
Variant type: Deletion.
Coding change: c.225+596_225+601del on transcript NM_002875.5 (MANE Select); bases 596 to 601 of the intron after coding-DNA position 225, 6 bases deleted (TTTTTT; older notation c.225+596_225+601delTTTTTT).
Molecular consequence: intron variant.
Genome position (GRCh38, 1-based): chr15:40,701,797-40,701,802, TTTTTT deleted; deleting any 6 consecutive bases within chr15:40,701,777-40,701,802 gives the same sequence; the c. name uses the placement nearest the transcript's 3' end. VCF-style (leftmost placement, unchanged base first): chr15-40701776-ATTTTTT-A. GRCh37 (hg19) VCF-style: chr15-40993974-ATTTTTT-A.
Other names: c.226-9_226-4del (NM_133487.4, NM_001164269.2); c.225+596_225+601del (NM_001164270.2).
Identifiers: ClinVar variation 4981979 (VCV004981979.1).

ClinVar aggregate classification (germline): Likely benign (1 of 4 stars; one submission).

Conditions:
RAD51-related disorder. Also called: RAD51-related disorders; RAD51-related condition.

Submission:

PreventionGenetics, part of Exact Sciences
Classification: Likely benign for RAD51-related condition. Last evaluated: 2026-08-17. Review status: criteria provided, single submitter. Criteria: ACMG Guidelines, 2015. Collection method: clinical testing. Allele origin: germline.
Comment: This variant is classified as likely benign based on ACMG/AMP sequence variant interpretation guidelines (Richards et al. 2015 PMID: 25741868, with internal and published modifications).